The following is an entry in ClinVar:

NM_005458.8(GABBR2):c.1527G>C (p.Gln509His)

Gene: GABBR2 (gamma-aminobutyric acid type B receptor subunit 2; minus strand). Cytogenetic location: 9q22.33.
Variant type: single nucleotide variant.
Coding change: c.1527G>C on transcript NM_005458.8 (MANE Select); coding-DNA position 1527, G replaced by C.
Protein change: p.Gln509His; replaces glutamine 509 with histidine.
Molecular consequence: missense variant.
Genome position (GRCh38, 1-based): chr9:98,388,856, C>G on the plus strand (G>C on the coding strand, the complement: GABBR2 is on the minus strand). VCF-style: chr9-98388856-C-G. GRCh37 (hg19) VCF-style: chr9-101151138-C-G.
Other names: short protein forms Q509H.
Identifiers: ClinVar variation 3687145 (VCV003687145.2).

ClinVar aggregate classification (germline): Uncertain significance (1 of 4 stars; one submission).

Conditions:
Epileptic encephalopathy. Identifiers: MedGen C0543888, HP:0200134.

Submission:

Labcorp Genetics (formerly Invitae), Labcorp
Classification: Uncertain significance for Epileptic encephalopathy. Last evaluated: 2024-11-11. Review status: criteria provided, single submitter. Criteria: Invitae Variant Classification Sherloc (09022015). Collection method: clinical testing. Allele origin: germline.
Comment: This sequence change replaces glutamine, which is neutral and polar, with histidine, which is basic and polar, at codon 509 of the GABBR2 protein (p.Gln509His). This variant is not present in population databases (gnomAD no frequency). This variant has not been reported in the literature in individuals affected with GABBR2-related conditions. An algorithm developed to predict the effect of missense changes on protein structure and function (PolyPhen-2) suggests that this variant is likely to be tolerated. In summary, the available evidence is currently insufficient to determine the role of this variant in disease. Therefore, it has been classified as a Variant of Uncertain Significance.